The following is an entry in ClinVar:

NM_001352514.2(HLCS):c.1132C>G (p.Gln378Glu)

Gene: HLCS (holocarboxylase synthetase; minus strand). Cytogenetic location: 21q22.13.
Variant type: single nucleotide variant.
Coding change: c.1132C>G on transcript NM_001352514.2 (MANE Select); coding-DNA position 1132, C replaced by G.
Protein change: p.Gln378Glu; replaces glutamine 378 with glutamic acid.
Molecular consequence: missense variant. On other transcripts: non-coding transcript variant (2).
Genome position (GRCh38, 1-based): chr21:36,936,754, G>C on the plus strand (C>G on the coding strand, the complement: HLCS is on the minus strand). VCF-style: chr21-36936754-G-C. GRCh37 (hg19) VCF-style: chr21-38309054-G-C.
Other names: c.691C>G, p.Gln231Glu (NM_000411.8, NM_001242784.3, NM_001242785.2 and 4 more transcripts); short protein forms Q231E, Q378E.
Identifiers: ClinVar variation 1984437 (VCV001984437.1), dbSNP rs1481968221, ClinGen allele CA409912508.

ClinVar aggregate classification (germline): Uncertain significance (1 of 4 stars; one submission).

Conditions:
Holocarboxylase synthetase deficiency. Also called: MULTIPLE CARBOXYLASE DEFICIENCY, EARLY ONSET. Identifiers: Orphanet 79242, MedGen C0268581, MONDO:0009666, OMIM 253270.

Allele frequency attached by ClinVar (database versions not stated): gnomAD exomes below 0.00001; gnomAD 0.00001.
gnomAD v4.1: 2 of 1,614,116 alleles (0.00012%); highest among the groups gnomAD compares: Admixed American, 0.0033%; no homozygotes.

Submission:

Labcorp Genetics (formerly Invitae), Labcorp
Classification: Uncertain significance for Holocarboxylase synthetase deficiency. Last evaluated: 2021-08-28. Review status: criteria provided, single submitter. Criteria: Invitae Variant Classification Sherloc (09022015). Collection method: clinical testing. Allele origin: germline.
Comment: This sequence change replaces glutamine with glutamic acid at codon 231 of the HLCS protein (p.Gln231Glu). The glutamine residue is weakly conserved and there is a small physicochemical difference between glutamine and glutamic acid. This variant is not present in population databases (ExAC no frequency). This variant has not been reported in the literature in individuals affected with HLCS-related conditions. Advanced modeling of protein sequence and biophysical properties (such as structural, functional, and spatial information, amino acid conservation, physicochemical variation, residue mobility, and thermodynamic stability) performed at Invitae indicates that this missense variant is not expected to disrupt HLCS protein function. In summary, the available evidence is currently insufficient to determine the role of this variant in disease. Therefore, it has been classified as a Variant of Uncertain Significance.